The following is an entry in ClinVar:

ClinVar aggregate classification (germline): Uncertain significance (1 of 4 stars; one submission).

gnomAD v4.1: 2 of 1,614,160 alleles (0.00012%); highest among the groups gnomAD compares: Non-Finnish European, 0.00017%; no homozygotes.

Submission:

Labcorp Genetics (formerly Invitae), Labcorp
Classification: Uncertain significance. Last evaluated: 2025-04-07. Review status: criteria provided, single submitter. Criteria: Invitae Variant Classification Sherloc (09022015). Collection method: clinical testing. Allele origin: germline.
Comment: This sequence change replaces glutamic acid, which is acidic and polar, with aspartic acid, which is acidic and polar, at codon 457 of the VCAN protein (p.Glu457Asp). This variant is present in population databases (no rsID available, gnomAD 0.003%). This variant has not been reported in the literature in individuals affected with VCAN-related conditions. ClinVar contains an entry for this variant (Variation ID: 2984225). An algorithm developed to predict the effect of missense changes on protein structure and function outputs the following: PolyPhen-2: "Benign". The aspartic acid amino acid residue is found in multiple mammalian species, which suggests that this missense change does not adversely affect protein function. In summary, the available evidence is currently insufficient to determine the role of this variant in disease. Therefore, it has been classified as a Variant of Uncertain Significance.

NM_004385.5(VCAN):c.1371A>C (p.Glu457Asp)

Gene: VCAN (versican; plus strand). Cytogenetic location: 5q14.3.
Variant type: single nucleotide variant.
Coding change: c.1371A>C on transcript NM_004385.5 (MANE Select); coding-DNA position 1371, A replaced by C.
Protein change: p.Glu457Asp; replaces glutamic acid 457 with aspartic acid.
Molecular consequence: missense variant. On other transcripts: intron variant (2).
Genome position (GRCh38, 1-based): chr5:83,519,677, A>C. VCF-style: chr5-83519677-A-C. GRCh37 (hg19) VCF-style: chr5-82815496-A-C.
Other names: c.1371A>C, p.Glu457Asp (NM_001164098.2); c.1042+7281A>C (NM_001164097.2, NM_001126336.3); short protein forms E457D.
Identifiers: ClinVar variation 2984225 (VCV002984225.3), dbSNP rs749096307, ClinGen allele CA360299972.